The following is an entry in ClinVar:

NM_000135.4(FANCA):c.3627-13CT[2]

Gene: FANCA (FA complementation group A; minus strand). Cytogenetic location: 16q24.3.
Variant type: Microsatellite.
Coding change: c.3627-13CT[2] on transcript NM_000135.4 (MANE Select); two copies in a row of the 2-base unit CT starting at c.3627-13; the reference has three copies in a row; one copy, 2 bases deleted.
Molecular consequence: intron variant.
Genome position (GRCh38, 1-based): chr16:89,742,946-89,742,947, AG deleted on the plus strand (CT on the coding strand, the reverse complement: FANCA is on the minus strand); deleting any 2 consecutive bases within chr16:89,742,946-89,742,952 gives the same sequence; the position shown is the placement nearest the transcript's 3' end. VCF-style (leftmost placement, unchanged base first): chr16-89742945-CAG-C. GRCh37 (hg19) VCF-style: chr16-89809353-CAG-C.
Other names: c.3627-13CT[2] (NM_001286167.3); c.3627-9_3627-8delCT (NM_000135.2).
Identifiers: ClinVar variation 2172879 (VCV002172879.5), dbSNP rs2544106239, ClinGen allele CA2580613938.
Genomic context (GRCh38, chr16:89,742,945, plus strand): 5'-GCTGAGAGCCAGTCCGGGTTGGGTGCTGGGGAGGCAGCCTCAGGGGAGAGGAAACTGGGA[CAG>C]AGAGAACGGGGTCATTGCAGGGCCTTACAACCATACAACCACGCCATAGAAACCAAGTCC-3'

ClinVar aggregate classification (germline): Conflicting classifications of pathogenicity. Review status: criteria provided, conflicting classifications (1 of 4 stars). 2 submissions from 2 submitters: Uncertain significance (1); Likely benign (1). Last evaluated 2026-04-28.

Conditions:
FANCA-related disorder. Also called: FANCA-related condition.
Fanconi anemia (FA). Also called: Fanconi's anemia. Identifiers: Orphanet 84, MedGen C0015625, MeSH D005199, MONDO:0019391.

Submissions (2):

PreventionGenetics, part of Exact Sciences
Classification: Likely benign for FANCA-related condition. Last evaluated: 2026-04-28. Review status: criteria provided, single submitter. Criteria: ACMG Guidelines, 2015. Collection method: clinical testing. Allele origin: germline.
Comment: This variant is classified as likely benign based on ACMG/AMP sequence variant interpretation guidelines (Richards et al. 2015 PMID: 25741868, with internal and published modifications).

Labcorp Genetics (formerly Invitae), Labcorp
Classification: Uncertain significance for Fanconi anemia. Last evaluated: 2022-09-13. Review status: criteria provided, single submitter. Criteria: Invitae Variant Classification Sherloc (09022015). Collection method: clinical testing. Allele origin: germline.
Comment: This variant has not been reported in the literature in individuals affected with FANCA-related conditions. This variant is not present in population databases (gnomAD no frequency). This sequence change falls in intron 36 of the FANCA gene. It does not directly change the encoded amino acid sequence of the FANCA protein. Algorithms developed to predict the effect of sequence changes on RNA splicing suggest that this variant may disrupt the consensus splice site. In summary, the available evidence is currently insufficient to determine the role of this variant in disease. Therefore, it has been classified as a Variant of Uncertain Significance.